The following is an entry in ClinVar:

ClinVar aggregate classification (germline): Uncertain significance (0 of 4 stars; one submission).

Submission:

Department of Pathology and Laboratory Medicine, Sinai Health System
Classification: Uncertain significance. Review status: no assertion criteria provided. Collection method: clinical testing. Allele origin: unknown. Affected: yes. Study: The Canadian Open Genetics Repository (COGR).
Comment: The HDAC6 p.Trp306Cys variant was not identified in the literature nor was it identified in dbSNP, ClinVar, LOVD 3.0 or in the following control databases: the 1000 Genomes Project, the NHLBI GO Exome Sequencing Project, or the Genome Aggregation Database (March 6, 2019, v2.1.1). The p.Trp306 residue is conserved in mammals and computational analyses (PolyPhen-2, SIFT, AlignGVGD, BLOSUM, MutationTaster) provide inconsistent predictions regarding the impact to the protein; this information is not very predictive of pathogenicity. The variant occurs outside of the splicing consensus sequence and three of four in silico or computational prediction software programs (SpliceSiteFinder, MaxEntScan, NNSPLICE, GeneSplicer) do not predict a difference in splicing. In summary, based on the above information the clinical significance of this variant cannot be determined with certainty at this time. This variant is classified as a variant of uncertain significance.

NM_006044.4(HDAC6):c.876G>T (p.Trp292Cys)

Gene: HDAC6 (histone deacetylase 6; plus strand). Cytogenetic location: Xp11.23.
Variant type: single nucleotide variant.
Coding change: c.876G>T on transcript NM_006044.4 (MANE Select); coding-DNA position 876, G replaced by T.
Protein change: p.Trp292Cys; replaces tryptophan 292 with cysteine.
Molecular consequence: missense variant. On other transcripts: non-coding transcript variant (2).
Genome position (GRCh38, 1-based): chrX:48,814,509, G>T. VCF-style: chrX-48814509-G-T. GRCh37 (hg19) VCF-style: chrX-48672916-G-T.
Other names: c.918G>T, p.Trp306Cys (NM_001321225.2); c.876G>T, p.Trp292Cys (NM_001321226.2, NM_001321227.2, NM_001321228.2 and 1 more transcripts); short protein forms W292C, W306C.
Identifiers: ClinVar variation 1049411 (VCV001049411.1), dbSNP rs2147359863, ClinGen allele CA412876279.
Genomic context (GRCh38, chrX:48,814,509, plus strand): 5'-TTTCTCCATCCACCGCTACGAGCAGGGTAGGTTCTGGCCCCACCTGAAGGCCTCTAACTG[G>T]TCCACCACAGGTTTCGGCCAAGGCCAAGGATATACCATCAATGTGCCTTGGAACCAGGTC-3'
Protein context (NP_006035.2, residues 282-302): RFWPHLKASN[Trp292Cys]STTGFGQGQG